The following is an entry in ClinVar:

NM_000020.3(ACVRL1):c.827T>G (p.Ile276Ser)

Gene: ACVRL1 (activin A receptor like type 1; plus strand). Cytogenetic location: 12q13.13.
Variant type: single nucleotide variant.
Coding change: c.827T>G on transcript NM_000020.3 (MANE Select); coding-DNA position 827, T replaced by G.
Protein change: p.Ile276Ser; replaces isoleucine 276 with serine.
Molecular consequence: missense variant.
Genome position (GRCh38, 1-based): chr12:51,915,279, T>G. VCF-style: chr12-51915279-T-G. GRCh37 (hg19) VCF-style: chr12-52309063-T-G.
Other names: c.827T>G, p.Ile276Ser (NM_001077401.2, NM_001406487.1, NM_001406488.1 and 1 more transcripts); c.515T>G, p.Ile172Ser (NM_001406490.1, NM_001406491.1, NM_001406492.1 and 2 more transcripts); c.263T>G, p.Ile88Ser (NM_001406495.1); short protein forms I88S, I172S, I276S.
Identifiers: ClinVar variation 4613369 (VCV004613369.1).
Genomic context (GRCh38, chr12:51,915,279, plus strand): 5'-ACACAGGCTTCATCGCCTCAGACATGACCTCCCGCAACTCGAGCACGCAGCTGTGGCTCA[T>G]CACGCACTACCACGAGCACGGCTCCCTCTACGACTTTCTGCAGAGACAGACGCTGGAGCC-3'
Protein context (NP_000011.2, residues 266-286): SRNSSTQLWL[Ile276Ser]THYHEHGSLY

ClinVar aggregate classification (germline): Likely pathogenic (1 of 4 stars; one submission).

Conditions:
Cardiovascular phenotype. Identifiers: MedGen CN230736.

Submission:

Ambry Genetics
Classification: Likely pathogenic for Cardiovascular phenotype. Last evaluated: 2025-10-20. Review status: criteria provided, single submitter. Criteria: Ambry Variant Classification Scheme 2023. Collection method: clinical testing. Allele origin: germline.
Comment: The p.I276S variant (also known as c.827T>G), located in coding exon 6 of the ACVRL1 gene, results from a T to G substitution at nucleotide position 827. The isoleucine at codon 276 is replaced by serine, an amino acid with dissimilar properties. This variant was reported in individual(s) with features consistent with hereditary hemorrhagic telangiectasia (HHT)(Ambry internal data). Based on internal structural analysis, this variant is anticipated to result in a significant decrease in structural stability (Ambry internal data). This variant is considered to be rare based on population cohorts in the Genome Aggregation Database (gnomAD). This amino acid position is well conserved in available vertebrate species. In addition, this alteration is predicted to be deleterious by in silico analysis. Based on the majority of available evidence to date, this variant is likely to be pathogenic.